The following is an entry in ClinVar:

NM_000642.3(AGL):c.4076G>A (p.Arg1359His)

Gene: AGL (amylo-alpha-1,6-glucosidase and 4-alpha-glucanotransferase; plus strand). Cytogenetic location: 1p21.2.
Variant type: single nucleotide variant.
Coding change: c.4076G>A on transcript NM_000642.3 (MANE Select); coding-DNA position 4076, G replaced by A.
Protein change: p.Arg1359His; replaces arginine 1359 with histidine.
Molecular consequence: missense variant.
Genome position (GRCh38, 1-based): chr1:99,913,653, G>A. VCF-style: chr1-99913653-G-A. GRCh37 (hg19) VCF-style: chr1-100379209-G-A.
Other names: p.Arg1359His; c.4076G>A, p.Arg1359His (NM_000028.3, NM_000643.3, NM_000644.3 and 1 more transcripts); c.4028G>A, p.Arg1343His (NM_000646.3); c.4055G>A, p.Arg1352His (NM_001425326.1); c.3875G>A, p.Arg1292His (NM_001425327.1); c.3872G>A, p.Arg1291His (NM_001425328.1); c.3737G>A, p.Arg1246His (NM_001425329.1); c.3698G>A, p.Arg1233His (NM_001425332.1); short protein forms R1359H, R1343H, R1233H, R1246H, R1291H, R1292H, R1352H.
Identifiers: ClinVar variation 526597 (VCV000526597.17), dbSNP rs201533636, ClinGen allele CA967298.

ClinVar aggregate classification (germline): Uncertain significance. Review status: criteria provided, multiple submitters, no conflicts (2 of 4 stars). 9 submissions from 9 submitters: Uncertain significance (7). 2 of the submissions do not count toward it. Last evaluated 2025-01-23.

Conditions:
Glycogen storage disease type III (GSD3). Also called: Cori disease; FORBES DISEASE. Identifiers: Orphanet 366, MedGen C0017922, MONDO:0009291, OMIM 232400.
Inborn genetic diseases. Identifiers: MedGen C0950123, MeSH D030342.
Meniere disease. Also called: Ménière's disease. Identifiers: MedGen C0025281, MONDO:0007972, OMIM 156000.

Allele frequency attached by ClinVar (database versions not stated): ESP Exome Variant Server 0.00008; ExAC 0.00011; gnomAD exomes 0.00012 and 0.00025; TOPMed 0.00012; gnomAD 0.00013 and 0.00014.
gnomAD v4.1: 379 of 1,613,946 alleles (0.023%); highest among the groups gnomAD compares: Non-Finnish European, 0.029%; no homozygotes.

Submissions (9):

Labcorp Genetics (formerly Invitae), Labcorp
Classification: Uncertain significance for Glycogen storage disease type III. Last evaluated: 2025-01-23. Review status: criteria provided, single submitter. Criteria: Invitae Variant Classification Sherloc (09022015). Collection method: clinical testing. Allele origin: germline.
Comment: This sequence change replaces arginine, which is basic and polar, with histidine, which is basic and polar, at codon 1359 of the AGL protein (p.Arg1359His). This variant is present in population databases (rs201533636, gnomAD 0.02%). This variant has not been reported in the literature in individuals affected with AGL-related conditions. ClinVar contains an entry for this variant (Variation ID: 526597). Invitae Evidence Modeling of protein sequence and biophysical properties (such as structural, functional, and spatial information, amino acid conservation, physicochemical variation, residue mobility, and thermodynamic stability) indicates that this missense variant is expected to disrupt AGL protein function with a positive predictive value of 80%. In summary, the available evidence is currently insufficient to determine the role of this variant in disease. Therefore, it has been classified as a Variant of Uncertain Significance.

Blueprint Genetics
Classification: Uncertain significance. Last evaluated: 2024-08-22. Review status: criteria provided, single submitter. Criteria: ACMG Guidelines, 2015. Collection method: clinical testing. Allele origin: germline.

Mayo Clinic Laboratories, Mayo Clinic
Classification: Uncertain significance. Last evaluated: 2023-10-09. Review status: criteria provided, single submitter. Criteria: ACMG Guidelines, 2015. Collection method: clinical testing. Allele origin: germline. Observed: 1 variant allele.

Fulgent Genetics
Classification: Uncertain significance for Glycogen storage disease type III. Last evaluated: 2021-12-28. Review status: criteria provided, single submitter. Criteria: ACMG Guidelines, 2015. Collection method: clinical testing. Allele origin: unknown.

Ambry Genetics
Classification: Uncertain significance for Inborn genetic diseases. Last evaluated: 2021-08-11. Review status: criteria provided, single submitter. Criteria: Ambry Variant Classification Scheme 2023. Collection method: clinical testing. Allele origin: germline.

Genome-Nilou Lab
Classification: Uncertain significance for Glycogen storage disease type III. Last evaluated: 2021-07-15. Review status: criteria provided, single submitter. Criteria: ACMG Guidelines, 2015. Collection method: clinical testing. Allele origin: germline. Affected: no.

GeneDx
Classification: Uncertain significance. Last evaluated: 2019-11-22. Review status: criteria provided, single submitter. Criteria: GeneDx Variant Classification Process June 2021. Collection method: clinical testing. Allele origin: germline. Affected: yes.
Comment: In silico analysis, which includes protein predictors and evolutionary conservation, supports a deleterious effect; Has not been previously published as pathogenic or benign to our knowledge

Center for Computational Biology & Bioinformatics, University of California, San Diego
Classification: Uncertain significance for Meniere disease. Last evaluated: 2024-06-03. Review status: no assertion criteria provided. Collection method: research. Allele origin: germline. Affected: yes. Not counted in ClinVar's aggregate classification.

Natera, Inc.
Classification: Uncertain significance for Glycogen storage disease type III. Last evaluated: 2019-10-28. Review status: no assertion criteria provided. Collection method: clinical testing. Allele origin: germline. Not counted in ClinVar's aggregate classification.